The following is an entry in ClinVar:

NM_006158.5(NEFL):c.882C>A (p.Asn294Lys)

Gene: NEFL (neurofilament light chain; minus strand). Cytogenetic location: 8p21.2.
Variant type: single nucleotide variant.
Coding change: c.882C>A on transcript NM_006158.5 (MANE Select); coding-DNA position 882, C replaced by A.
Protein change: p.Asn294Lys; replaces asparagine 294 with lysine.
Molecular consequence: missense variant.
Genome position (GRCh38, 1-based): chr8:24,955,634, G>T on the plus strand (C>A on the coding strand, the complement: NEFL is on the minus strand). VCF-style: chr8-24955634-G-T. GRCh37 (hg19) VCF-style: chr8-24813148-G-T.
Other names: short protein forms N294K.
Identifiers: ClinVar variation 412301 (VCV000412301.3), dbSNP rs946938553, ClinGen allele CA16612571.
Genomic context (GRCh38, chr8:24,955,634, plus strand): 5'-GGCCTTGAGCAGACGACGGCTCTCGGACACCTCGTCCTTGGCGGCGCGCACGGCGTCGGT[G>T]TTCTTGGCGGCGCTCTCGGTCAGCACGGTGAAGCGGCTCTTGAACCATTCCTCAGCGTTC-3'
Protein context (NP_006149.2, residues 284-304): FTVLTESAAK[Asn294Lys]TDAVRAAKDE

ClinVar aggregate classification (germline): Uncertain significance (1 of 4 stars; one submission).

Conditions:
Charcot-Marie-Tooth disease type 2E (CMT2E). Also called: CHARCOT-MARIE-TOOTH DISEASE, AXONAL, TYPE 2E; CHARCOT-MARIE-TOOTH NEUROPATHY, TYPE 2E. Identifiers: Orphanet 99939, MedGen C1843225, MONDO:0011894, OMIM 607684.

Submission:

Labcorp Genetics (formerly Invitae), Labcorp
Classification: Uncertain significance for Charcot-Marie-Tooth disease type 2E. Last evaluated: 2016-07-01. Review status: criteria provided, single submitter. Criteria: Invitae Variant Classification Sherloc (09022015). Collection method: clinical testing. Allele origin: germline.
Comment: In summary, this variant is a novel missense change with uncertain impact on protein function. Therefore, it has been classified as a Variant of Uncertain Significance. Algorithms developed to predict the effect of missense changes on protein structure and function (SIFT, PolyPhen-2, Align-GVGD) all suggest that this variant is likely to be disruptive, but these predictions have not been confirmed by published functional studies. This variant is not present in population databases (ExAC no frequency) and has not been reported in the literature in individuals with an NEFL-related disease. This sequence change replaces asparagine with lysine at codon 294 of the NEFL protein (p.Asn294Lys). The asparagine residue is highly conserved and there is a moderate physicochemical difference between asparagine and lysine.